The following is an entry in ClinVar:

ClinVar aggregate classification (germline): Uncertain significance (1 of 4 stars; one submission).

Conditions:
Camptomelic dysplasia (CMPD). Also called: Campomelic Dysplasia; CMPD1/SRA1. Identifiers: Orphanet 140, MedGen C1861922, MONDO:0007251, OMIM 114290.

Submission:

Labcorp Genetics (formerly Invitae), Labcorp
Classification: Uncertain significance for Camptomelic dysplasia. Last evaluated: 2025-12-13. Review status: criteria provided, single submitter. Criteria: Invitae Variant Classification Sherloc (09022015). Collection method: clinical testing. Allele origin: germline.
Comment: This sequence change replaces tyrosine, which is neutral and polar, with histidine, which is basic and polar, at codon 468 of the SOX9 protein (p.Tyr468His). This variant is not present in population databases (gnomAD no frequency). This variant has not been reported in the literature in individuals affected with SOX9-related conditions. Invitae Evidence Modeling of protein sequence and biophysical properties (such as structural, functional, and spatial information, amino acid conservation, physicochemical variation, residue mobility, and thermodynamic stability) has been performed for this missense variant. However, the output from this modeling did not meet the statistical confidence thresholds required to predict the impact of this variant on SOX9 protein function. In summary, the available evidence is currently insufficient to determine the role of this variant in disease. Therefore, it has been classified as a Variant of Uncertain Significance.

NM_000346.4(SOX9):c.1402T>C (p.Tyr468His)

Gene: SOX9 (SRY-box transcription factor 9; plus strand). Cytogenetic location: 17q24.3.
Variant type: single nucleotide variant.
Coding change: c.1402T>C on transcript NM_000346.4 (MANE Select); coding-DNA position 1402, T replaced by C.
Protein change: p.Tyr468His; replaces tyrosine 468 with histidine.
Molecular consequence: missense variant.
Genome position (GRCh38, 1-based): chr17:72,124,259, T>C. VCF-style: chr17-72124259-T-C. GRCh37 (hg19) VCF-style: chr17-70120400-T-C.
Other names: short protein forms Y468H.
Identifiers: ClinVar variation 4747513 (VCV004747513.1).